The following is an entry in ClinVar:

ClinVar aggregate classification (germline): Pathogenic. Review status: criteria provided, multiple submitters, no conflicts (2 of 4 stars). 3 submissions from 3 submitters: Pathogenic (2). 1 of the submissions does not count toward it. Last evaluated 2024-05-29.

Conditions:
Bardet-Biedl syndrome (BBS). Identifiers: Orphanet 110, MedGen C0752166, MONDO:0015229.
Bardet-Biedl syndrome 7 (BBS7). Identifiers: Orphanet 110, MedGen C1859565, MONDO:0014435, OMIM 615984.
Retinal dystrophy. Also called: Inherited retinal dystrophy. Identifiers: Orphanet 71862, MedGen C0854723, MeSH D058499, MONDO:0019118, HP:0000556.

Submissions (3):

Fulgent Genetics
Classification: Pathogenic for Bardet-Biedl syndrome 7. Last evaluated: 2024-05-29. Review status: criteria provided, single submitter. Criteria: ACMG Guidelines, 2015. Collection method: clinical testing. Allele origin: germline.

Labcorp Genetics (formerly Invitae), Labcorp
Classification: Pathogenic for Bardet-Biedl syndrome. Last evaluated: 2022-07-28. Review status: criteria provided, single submitter. Criteria: Invitae Variant Classification Sherloc (09022015). Collection method: clinical testing. Allele origin: germline.
Comment: For these reasons, this variant has been classified as Pathogenic. This premature translational stop signal has been observed in individual(s) with clinical features of BBS7-related conditions (PMID: 27208204). Information on the frequency of this variant in the gnomAD database is not available, as this variant may be reported differently in the database. This sequence change creates a premature translational stop signal (p.Ser571*) in the BBS7 gene. It is expected to result in an absent or disrupted protein product. Loss-of-function variants in BBS7 are known to be pathogenic (PMID: 12567324, 19402160, 21209035, 31196119).

Centre for Genomic Medicine, Manchester, Central Manchester University Hospitals
Classification: Likely pathogenic for Retinal dystrophy. Review status: no assertion criteria provided. Collection method: clinical testing. Allele origin: germline. Affected: yes. Not counted in ClinVar's aggregate classification.

Literature cited by the submitters: PubMed 27208204 (cited by Labcorp Genetics (formerly Invitae), Labcorp); PubMed 12567324 (cited by Labcorp Genetics (formerly Invitae), Labcorp); PubMed 19402160 (cited by Labcorp Genetics (formerly Invitae), Labcorp); PubMed 21209035 (cited by Labcorp Genetics (formerly Invitae), Labcorp); PubMed 31196119 (cited by Labcorp Genetics (formerly Invitae), Labcorp).

NM_176824.3(BBS7):c.1712_1713delinsAGA (p.Ser571Ter)

Gene: BBS7 (Bardet-Biedl syndrome 7; minus strand). Cytogenetic location: 4q27.
Variant type: Indel.
Coding change: c.1712_1713delinsAGA on transcript NM_176824.3 (MANE Select); coding-DNA positions 1712 to 1713, CT replaced by AGA.
Protein change: p.Ser571Ter; replaces serine 571 with a stop codon.
Molecular consequence: nonsense.
Genome position (GRCh38, 1-based): chr4:121,828,692-121,828,693, AG replaced by TCT on the plus strand (CT replaced by AGA on the coding strand, the reverse complement: BBS7 is on the minus strand). VCF-style: chr4-121828692-AG-TCT. GRCh37 (hg19) VCF-style: chr4-122749847-AG-TCT.
Other names: short protein forms S571*.
Identifiers: ClinVar variation 236452 (VCV000236452.9), dbSNP rs878853352, ClinGen allele CA10581661.